The following is an entry in ClinVar:

NM_001378454.1(ALMS1):c.6263del (p.Pro2088fs)

Gene: ALMS1 (ALMS1 centrosome and basal body associated protein; plus strand). Cytogenetic location: 2p13.1.
Variant type: Deletion.
Coding change: c.6263del on transcript NM_001378454.1 (MANE Select); coding-DNA position 6263, one base deleted (C; older notation c.6263delC).
Protein change: p.Pro2088fs; shifts the reading frame from proline 2088.
Molecular consequence: frameshift variant.
Genome position (GRCh38, 1-based): chr2:73,452,790, C deleted; the last of 2 consecutive C bases (chr2:73,452,789-73,452,790); deleting either gives the same sequence. VCF-style (leftmost placement, unchanged base first): chr2-73452788-AC-A. GRCh37 (hg19) VCF-style: chr2-73679915-AC-A.
Other names: c.6266del, p.Pro2089fs (NM_015120.4); short protein forms P2088fs, P2089fs.
Identifiers: ClinVar variation 2026564 (VCV002026564.4), dbSNP rs2466108557, ClinGen allele CA2580067906.
Genomic context (GRCh38, chr2:73,452,788, plus strand): 5'-AAGTAAAGGTATTCTAAAGATTTCAGCTGTCCCTGAACTAACTGATGTGAATACTGGAAA[AC>A]CAGTATCTCTCTCTAGTTCTTATTTTCACAGAGAGAAATCGAATATTTTCAGTCCACAGG-3'

ClinVar aggregate classification (germline): Pathogenic (1 of 4 stars; one submission).

Conditions:
Alstrom syndrome (ALMS). Identifiers: Orphanet 64, MedGen C0268425, MONDO:0008763, OMIM 203800.

Submission:

Labcorp Genetics (formerly Invitae), Labcorp
Classification: Pathogenic for Alstrom syndrome. Last evaluated: 2022-08-23. Review status: criteria provided, single submitter. Criteria: Invitae Variant Classification Sherloc (09022015). Collection method: clinical testing. Allele origin: germline.
Comment: For these reasons, this variant has been classified as Pathogenic. This variant has not been reported in the literature in individuals affected with ALMS1-related conditions. This variant is not present in population databases (gnomAD no frequency). This sequence change creates a premature translational stop signal (p.Pro2089Glnfs*27) in the ALMS1 gene. It is expected to result in an absent or disrupted protein product. Loss-of-function variants in ALMS1 are known to be pathogenic (PMID: 17594715).

Literature cited by the submitters: PubMed 17594715.